The following is an entry in ClinVar:

ClinVar aggregate classification (germline): Uncertain significance. Review status: criteria provided, single submitter (1 of 4 stars). 2 submissions from 2 submitters: Uncertain significance (1). 1 of the submissions does not count toward it. Last evaluated 2022-08-16.

Conditions:
Anauxetic dysplasia. Identifiers: Orphanet 93347, MedGen C1846796, MONDO:0011773.
Metaphyseal chondrodysplasia, McKusick type (CHH). Also called: Cartilage-hair hypoplasia; Cartilage-Hair Hypoplasia (CHH). Identifiers: Orphanet 175, MedGen C0220748, MONDO:0009595, OMIM 250250.

Allele frequency attached by ClinVar (database versions not stated): gnomAD exomes 0.00002; TOPMed 0.00008; 1000 Genomes Project 0.00020; 1000 Genomes Project 30x 0.00031.
gnomAD v4.1: 20 of 692,802 alleles (0.0029%); highest among the groups gnomAD compares: African/African-American, 0.018%; no homozygotes.

Submissions (2):

Labcorp Genetics (formerly Invitae), Labcorp
Classification: Uncertain significance for Anauxetic dysplasia. Last evaluated: 2022-08-16. Review status: criteria provided, single submitter. Criteria: Invitae Variant Classification Sherloc (09022015). Collection method: clinical testing. Allele origin: germline.
Comment: This variant occurs in the RMRP gene, which encodes an RNA molecule that does not result in a protein product. This variant is present in population databases (rs183570217, gnomAD 0.02%). This variant has not been reported in the literature in individuals affected with RMRP-related conditions. ClinVar contains an entry for this variant (Variation ID: 967560). Experimental studies and prediction algorithms are not available or were not evaluated, and the functional significance of this variant is currently unknown. In summary, the available evidence is currently insufficient to determine the role of this variant in disease. Therefore, it has been classified as a Variant of Uncertain Significance.

Natera, Inc.
Classification: Uncertain significance for Cartilage-hair hypoplasia. Last evaluated: 2020-04-23. Review status: no assertion criteria provided. Collection method: clinical testing. Allele origin: germline. Not counted in ClinVar's aggregate classification.

NR_003051.4(RMRP):n.203C>T

Gene: RMRP (RNA component of mitochondrial RNA processing endoribonuclease; minus strand). Cytogenetic location: 9p13.3.
Variant type: single nucleotide variant.
Genome position: GRCh38 VCF-style: chr9-35657817-G-A. GRCh37 (hg19) VCF-style: chr9-35657814-G-A.
Identifiers: ClinVar variation 967560 (VCV000967560.4), dbSNP rs183570217, ClinGen allele CA192745568.
Genomic context (GRCh38, chr9:35,657,817, plus strand): 5'-GCGCTGAGAATGAGCCCCGTGTGGTTGGTGCGCGGACACGCACTGCCTGCGTAACTAGAG[G>A]GAGCTGACGGATGACGCCCCCGCGCCACGCCGCTCAGCGGGATACGCTTCTTGGCGGACT-3'